The following is an entry in ClinVar:

ClinVar aggregate classification (germline): Conflicting classifications of pathogenicity. Review status: criteria provided, conflicting classifications (1 of 4 stars). 5 submissions from 5 submitters: Uncertain significance (2); Benign (1); Likely benign (2). Last evaluated 2025-06-23.

Conditions:
Hereditary cancer-predisposing syndrome. Also called: Tumor predisposition; Hereditary neoplastic syndrome; Neoplastic Syndromes, Hereditary; Hereditary Cancer Syndrome. Identifiers: Orphanet 140162, MedGen C0027672, MeSH D009386, MONDO:0015356.
Tuberous sclerosis syndrome (TSC). Also called: Tuberous sclerosis; Tuberous Sclerosis Complex. Identifiers: Orphanet 805, MedGen C0041341, MONDO:0001734.
Tuberous sclerosis 2 (TSC2). Identifiers: Orphanet 805, MedGen C1860707, MONDO:0013199, OMIM 613254.

Allele frequency attached by ClinVar (database versions not stated): gnomAD exomes below 0.00001; ExAC 0.00001.
gnomAD v4.1: 4 of 1,612,974 alleles (0.00025%); highest among the groups gnomAD compares: Non-Finnish European, 0.00017%; no homozygotes.

Submissions (5):

Color Diagnostics, LLC DBA Color Health
Classification: Uncertain significance for Tuberous sclerosis syndrome. Last evaluated: 2025-06-23. Review status: criteria provided, single submitter. Criteria: ACMG Guidelines, 2015. Collection method: clinical testing. Allele origin: germline.
Comment: This synonymous variant causes a nucleotide substitution but does not change the encoded amino acid at codon 1048 of the TSC2 protein. Splice site prediction tools suggest that this variant may impact RNA splicing. To our knowledge, functional studies have not been reported for this variant. This variant has not been reported in individuals affected with TSC2-related disorders in the literature. This variant has been identified in 2/250362 chromosomes in the general population by the Genome Aggregation Database (gnomAD). The available evidence is insufficient to determine the role of this variant in disease conclusively. Therefore, this variant is classified as a Variant of Uncertain Significance.

Labcorp Genetics (formerly Invitae), Labcorp
Classification: Benign for Tuberous sclerosis 2. Last evaluated: 2025-05-05. Review status: criteria provided, single submitter. Criteria: Invitae Variant Classification Sherloc (09022015). Collection method: clinical testing. Allele origin: germline.

Ambry Genetics
Classification: Likely benign for Hereditary cancer-predisposing syndrome. Last evaluated: 2024-04-05. Review status: criteria provided, single submitter. Criteria: Ambry Variant Classification Scheme 2023. Collection method: clinical testing. Allele origin: germline.

CeGaT Center for Human Genetics Tuebingen
Classification: Likely benign. Last evaluated: 2022-06-01. Review status: criteria provided, single submitter. Criteria: CeGaT Center For Human Genetics Tuebingen Variant Classification Criteria Version 2. Collection method: clinical testing. Allele origin: germline. Affected: yes. Observed: 1 variant allele.
Comment: TSC2: PP3, BS2

Genome-Nilou Lab
Classification: Uncertain significance for Tuberous sclerosis 2. Last evaluated: 2021-11-07. Review status: criteria provided, single submitter. Criteria: ACMG Guidelines, 2015. Collection method: clinical testing. Allele origin: germline. Affected: no.

NM_000548.5(TSC2):c.3144C>T (p.Gly1048=)

Gene: TSC2 (TSC complex subunit 2; plus strand). Cytogenetic location: 16p13.3.
Variant type: single nucleotide variant.
Coding change: c.3144C>T on transcript NM_000548.5 (MANE Select); coding-DNA position 3144, C replaced by T.
Protein change: p.Gly1048=; no amino-acid change (glycine 1048 retained).
Molecular consequence: synonymous variant.
Genome position (GRCh38, 1-based): chr16:2,079,288, C>T. VCF-style: chr16-2079288-C-T. GRCh37 (hg19) VCF-style: chr16-2129289-C-T.
Other names: c.3012C>T, p.Gly1004= (NM_001077183.3, NM_001370404.1); c.3144C>T, p.Gly1048= (NM_001114382.3); c.2904C>T, p.Gly968= (NM_001318827.2); c.2868C>T, p.Gly956= (NM_001318829.2); c.2412C>T, p.Gly804= (NM_001318831.2); c.3045C>T, p.Gly1015= (NM_001318832.2); c.3015C>T, p.Gly1005= (NM_001363528.2, NM_001370405.1, NM_021055.3).
Identifiers: ClinVar variation 822990 (VCV000822990.48), dbSNP rs772640324, ClinGen allele CA044597.